The following is an entry in ClinVar:

ClinVar aggregate classification (germline): Uncertain significance. Review status: criteria provided, multiple submitters, no conflicts (2 of 4 stars). 2 submissions from 2 submitters: Uncertain significance (2). Last evaluated 2025-11-08.

Conditions:
Inborn genetic diseases. Identifiers: MedGen C0950123, MeSH D030342.
Majeed syndrome (MJDS). Also called: CHRONIC RECURRENT MULTIFOCAL OSTEOMYELITIS 1, WITH CONGENITAL DYSERYTHROPOIETIC ANEMIA, WITH OR WITHOUT NEUTROPHILIC DERMATOSIS; LPIN2-Related Majeed Syndrome. Identifiers: Orphanet 77297, MedGen C1864997, MONDO:0012316, OMIM 609628.

Submissions (2):

Ambry Genetics
Classification: Uncertain significance for Inborn genetic diseases. Last evaluated: 2025-11-08. Review status: criteria provided, single submitter. Criteria: Ambry Variant Classification Scheme 2023. Collection method: clinical testing. Allele origin: germline.

Labcorp Genetics (formerly Invitae), Labcorp
Classification: Uncertain significance for Majeed syndrome. Last evaluated: 2022-04-11. Review status: criteria provided, single submitter. Criteria: Invitae Variant Classification Sherloc (09022015). Collection method: clinical testing. Allele origin: germline.
Comment: This variant has not been reported in the literature in individuals affected with LPIN2-related conditions. Algorithms developed to predict the effect of missense changes on protein structure and function (SIFT, PolyPhen-2, Align-GVGD) all suggest that this variant is likely to be disruptive. In summary, the available evidence is currently insufficient to determine the role of this variant in disease. Therefore, it has been classified as a Variant of Uncertain Significance. This sequence change replaces threonine, which is neutral and polar, with isoleucine, which is neutral and non-polar, at codon 26 of the LPIN2 protein (p.Thr26Ile). This variant is not present in population databases (gnomAD no frequency).

NM_001375808.2(LPIN2):c.77C>T (p.Thr26Ile)

Gene: LPIN2 (lipin 2; minus strand). Cytogenetic location: 18p11.31.
Variant type: single nucleotide variant.
Coding change: c.77C>T on transcript NM_001375808.2 (MANE Select); coding-DNA position 77, C replaced by T.
Protein change: p.Thr26Ile; replaces threonine 26 with isoleucine.
Molecular consequence: missense variant.
Genome position (GRCh38, 1-based): chr18:2,960,764, G>A on the plus strand (C>T on the coding strand, the complement: LPIN2 is on the minus strand). VCF-style: chr18-2960764-G-A. GRCh37 (hg19) VCF-style: chr18-2960762-G-A.
Other names: c.77C>T, p.Thr26Ile (NM_001375809.1, NM_014646.2); short protein forms T26I.
Identifiers: ClinVar variation 2120424 (VCV002120424.5), dbSNP rs2510296974, ClinGen allele CA401711607.